The following is an entry in ClinVar:

ClinVar aggregate classification (germline): Uncertain significance (1 of 4 stars; one submission).

Conditions:
Dystonic disorder. Also called: Dystonia. Identifiers: MedGen C0013421, MONDO:0003441, HP:0001332.

Allele frequency attached by ClinVar (database versions not stated): ExAC 0.00001; gnomAD 0.00001; ESP Exome Variant Server 0.00008; 1000 Genomes Project 30x 0.00016.
gnomAD v4.1: 13 of 1,613,934 alleles (0.00081%); highest among the groups gnomAD compares: East Asian, 0.0045%; no homozygotes.

Submission:

Labcorp Genetics (formerly Invitae), Labcorp
Classification: Uncertain significance for Dystonic disorder. Last evaluated: 2023-04-18. Review status: criteria provided, single submitter. Criteria: Invitae Variant Classification Sherloc (09022015). Collection method: clinical testing. Allele origin: germline.
Comment: This variant is present in population databases (rs150393607, gnomAD 0.007%). This sequence change creates a premature translational stop signal (p.Arg805*) in the ANO3 gene. It is expected to result in an absent or disrupted protein product. However, the current clinical and genetic evidence is not sufficient to establish whether loss-of-function variants in ANO3 cause disease. In summary, the available evidence is currently insufficient to determine the role of this variant in disease. Therefore, it has been classified as a Variant of Uncertain Significance. This variant has not been reported in the literature in individuals affected with ANO3-related conditions.

NM_031418.4(ANO3):c.2413C>T (p.Arg805Ter)

Gene: ANO3 (anoctamin 3; plus strand). Cytogenetic location: 11p14.2.
Variant type: single nucleotide variant.
Coding change: c.2413C>T on transcript NM_031418.4 (MANE Select); coding-DNA position 2413, C replaced by T.
Protein change: p.Arg805Ter; replaces arginine 805 with a stop codon.
Molecular consequence: nonsense.
Genome position (GRCh38, 1-based): chr11:26,643,319, C>T. VCF-style: chr11-26643319-C-T. GRCh37 (hg19) VCF-style: chr11-26664866-C-T.
Other names: c.2596C>T, p.Arg866Ter (NM_001313726.2); c.1975C>T, p.Arg659Ter (NM_001313727.2); short protein forms R659*, R805*, R866*.
Identifiers: ClinVar variation 2902111 (VCV002902111.3), dbSNP rs150393607, ClinGen allele CA5926494.